The following is an entry in ClinVar:

ClinVar aggregate classification (germline): Conflicting classifications of pathogenicity. Review status: criteria provided, conflicting classifications (1 of 4 stars). 4 submissions from 4 submitters: Likely pathogenic (1); Uncertain significance (3). Last evaluated 2025-10-24.

Conditions:
Pseudohypoaldosteronism, type IB2, autosomal recessive (PHA1B2). Identifiers: MedGen C5774255, MONDO:0859317, OMIM 620125.
Bronchiectasis with or without elevated sweat chloride 1 (BESC1). Also called: Cystic Fibrosis-Like Syndrome. Identifiers: Orphanet 60033, MedGen C2749757, MONDO:0008887, OMIM 211400.
Liddle syndrome 1 (LIDLS1). Also called: PSEUDOALDOSTERONISM. Identifiers: Orphanet 526, MedGen CN031472, MONDO:0020607, OMIM 177200.

Allele frequency attached by ClinVar (database versions not stated): gnomAD exomes 0.00001; TOPMed 0.00001.
gnomAD v4.1: 17 of 1,614,132 alleles (0.0011%); highest among the groups gnomAD compares: Non-Finnish European, 0.0014%; no homozygotes.

Submissions (4):

3billion
Classification: Uncertain significance for Pseudohypoaldosteronism, type IB2, autosomal recessive. Last evaluated: 2025-10-24. Review status: criteria provided, single submitter. Criteria: ACMG Guidelines, 2015. Collection method: clinical testing. Allele origin: germline. Affected: yes.
Comment: The variant is observed at an extremely low frequency in the gnomAD v4.1.0 dataset (total allele frequency: 0.001%). Predicted Consequence/Location: Missense variant In silico tool predictions suggest damaging effect of the variant on gene or gene product [REVEL: 0.79 (>=0.6, sensitivity 0.68 and specificity 0.92)]. The same nucleotide change resulting in the same amino acid change has been previously reported to be associated with SCNN1B-related disorder (PMID: 36964972). However, the evidence of pathogenicity is insufficient at this time. Therefore, this variant is classified as VUS according to the recommendation of ACMG/AMP guideline.

Centre for Medical Genetics,  Mumbai
Classification: Likely pathogenic for Pseudohypoaldosteronism, type IB2, autosomal recessive. Last evaluated: 2025-08-23. Review status: criteria provided, single submitter. Criteria: ACMG Guidelines, 2015. Collection method: clinical testing. Allele origin: germline. Affected: yes. Observed: 1 homozygote.

Fulgent Genetics
Classification: Uncertain significance for Liddle syndrome 1; Bronchiectasis with or without elevated sweat chloride 1; Pseudohypoaldosteronism, type IB2, autosomal recessive. Last evaluated: 2024-06-04. Review status: criteria provided, single submitter. Criteria: ACMG Guidelines, 2015. Collection method: clinical testing. Allele origin: germline.

CeGaT Center for Human Genetics Tuebingen
Classification: Uncertain significance. Last evaluated: 2023-04-01. Review status: criteria provided, single submitter. Criteria: CeGaT Center For Human Genetics Tuebingen Variant Classification Criteria Version 2. Collection method: clinical testing. Allele origin: germline. Affected: yes. Observed: 1 variant allele.
Comment: SCNN1B: PM2

Literature cited by the submitters: PubMed 36964972 (cited by 3billion).

NM_000336.3(SCNN1B):c.943G>A (p.Gly315Arg)

Gene: SCNN1B (sodium channel epithelial 1 subunit beta; plus strand). Cytogenetic location: 16p12.2.
Variant type: single nucleotide variant.
Coding change: c.943G>A on transcript NM_000336.3 (MANE Select); coding-DNA position 943, G replaced by A.
Protein change: p.Gly315Arg; replaces glycine 315 with arginine.
Molecular consequence: missense variant.
Genome position (GRCh38, 1-based): chr16:23,371,361, G>A. VCF-style: chr16-23371361-G-A. GRCh37 (hg19) VCF-style: chr16-23382682-G-A.
Other names: c.943G>A, p.Gly315Arg (NM_001410900.1); short protein forms G315R.
Identifiers: ClinVar variation 2646319 (VCV002646319.26), dbSNP rs908355642, ClinGen allele CA279484693.